The following is an entry in ClinVar:

ClinVar aggregate classification (germline): Uncertain significance (1 of 4 stars; one submission).

Conditions:
Cardiovascular phenotype. Identifiers: MedGen CN230736.

Submission:

Ambry Genetics
Classification: Uncertain significance for Cardiovascular phenotype. Last evaluated: 2021-12-24. Review status: criteria provided, single submitter. Criteria: Ambry Variant Classification Scheme 2023. Collection method: clinical testing. Allele origin: germline.
Comment: The p.V1283L variant (also known as c.3847G>C), located in coding exon 9 of the TNXB gene, results from a G to C substitution at nucleotide position 3847. The valine at codon 1283 is replaced by leucine, an amino acid with highly similar properties. This amino acid position is conserved. In addition, this alteration is predicted to be tolerated by in silico analysis. Since supporting evidence is limited at this time, the clinical significance of this alteration remains unclear.

NM_001365276.2(TNXB):c.3847G>C (p.Val1283Leu)

Gene: TNXB (tenascin XB; minus strand). Cytogenetic location: 6p21.33.
Variant type: single nucleotide variant.
Coding change: c.3847G>C on transcript NM_001365276.2 (MANE Select); coding-DNA position 3847, G replaced by C.
Protein change: p.Val1283Leu; replaces valine 1283 with leucine.
Molecular consequence: missense variant.
Genome position (GRCh38, 1-based): chr6:32,081,563, C>G on the plus strand (G>C on the coding strand, the complement: TNXB is on the minus strand). VCF-style: chr6-32081563-C-G. GRCh37 (hg19) VCF-style: chr6-32049340-C-G.
Other names: c.3847G>C, p.Val1283Leu (NM_019105.8); short protein forms V1283L.
Identifiers: ClinVar variation 1735474 (VCV001735474.2), dbSNP rs1779440934, ClinGen allele CA363433907.